The following is an entry in ClinVar:

ClinVar aggregate classification (germline): Pathogenic (1 of 4 stars; one submission).

Conditions:
RYR1-related disorder. Also called: RYR1-related condition; RYR1-related disorders. Identifiers: MedGen CN239331.

Submission:

Labcorp Genetics (formerly Invitae), Labcorp
Classification: Pathogenic for RYR1-related disorder. Last evaluated: 2023-10-03. Review status: criteria provided, single submitter. Criteria: Invitae Variant Classification Sherloc (09022015). Collection method: clinical testing. Allele origin: germline.
Comment: This sequence change creates a premature translational stop signal (p.Tyr2908Thrfs*20) in the RYR1 gene. It is expected to result in an absent or disrupted protein product. Loss-of-function variants in RYR1 are known to be pathogenic (PMID: 23919265, 25960145, 28818389, 30611313). This variant is not present in population databases (gnomAD no frequency). This variant has not been reported in the literature in individuals affected with RYR1-related conditions. ClinVar contains an entry for this variant (Variation ID: 2129275). For these reasons, this variant has been classified as Pathogenic.

Literature cited by the submitters: PubMed 23919265; PubMed 25960145; PubMed 28818389; PubMed 30611313.

NM_000540.3(RYR1):c.8721del (p.Tyr2908fs)

Gene: RYR1 (ryanodine receptor 1; plus strand). Cytogenetic location: 19q13.2.
Variant type: Deletion.
Coding change: c.8721del on transcript NM_000540.3 (MANE Select); coding-DNA position 8721, one base deleted (C; older notation c.8721delC).
Protein change: p.Tyr2908fs; shifts the reading frame from tyrosine 2908.
Molecular consequence: frameshift variant.
Genome position (GRCh38, 1-based): chr19:38,506,857, C deleted; the last of 4 consecutive C bases (chr19:38,506,854-38,506,857); deleting any one gives the same sequence. VCF-style (leftmost placement, unchanged base first): chr19-38506853-TC-T. GRCh37 (hg19) VCF-style: chr19-38997493-TC-T.
Other names: c.8721del, p.Tyr2908fs (NM_001042723.2); short protein forms Y2908fs.
Identifiers: ClinVar variation 2129275 (VCV002129275.4), dbSNP rs2514370569, ClinGen allele CA2580097243.